The following is an entry in ClinVar:

NM_006940.6(SOX5):c.1373A>G (p.Lys458Arg)

Gene: SOX5 (SRY-box transcription factor 5; minus strand). Cytogenetic location: 12p12.1.
Variant type: single nucleotide variant.
Coding change: c.1373A>G on transcript NM_006940.6 (MANE Select); coding-DNA position 1373, A replaced by G.
Protein change: p.Lys458Arg; replaces lysine 458 with arginine.
Molecular consequence: missense variant. On other transcripts: intron variant (1).
Genome position (GRCh38, 1-based): chr12:23,563,373, T>C on the plus strand (A>G on the coding strand, the complement: SOX5 is on the minus strand). VCF-style: chr12-23563373-T-C. GRCh37 (hg19) VCF-style: chr12-23716307-T-C.
Other names: c.1343A>G, p.Lys448Arg (NM_001261415.3); c.1268A>G, p.Lys423Arg (NM_001330785.2); c.1334A>G, p.Lys445Arg (NM_152989.5); c.215A>G, p.Lys72Arg (NM_178010.4); c.1126-16949A>G (NM_001261414.3); c.1373A>G (NM_006940.5); short protein forms K445R, K448R, K458R, K423R, K72R.
Identifiers: ClinVar variation 2330767 (VCV002330767.5), dbSNP rs1946541229, ClinGen allele CA384317188.
Genomic context (GRCh38, chr12:23,563,373, plus strand): 5'-TCAAGCACCTGTTGTTCCCGTCGGAGTTGCTCCTTCATTTGCCGAGCTTCTTGGATTGCC[T>C]TGGTGACAGCATCATGGTCATTTAAGTAACCTGAACATGAGACAGATCAAAGGATATCTT-3'
Protein context (NP_008871.3, residues 448-468): GYLNDHDAVT[Lys458Arg]AIQEARQMKE

ClinVar aggregate classification (germline): Uncertain significance. Review status: criteria provided, single submitter (1 of 4 stars). 2 submissions from 2 submitters: Uncertain significance (1). 1 of the submissions does not count toward it. Last evaluated 2023-01-06.

Conditions:
Inborn genetic diseases. Identifiers: MedGen C0950123, MeSH D030342.
SOX5-related disorder. Also called: SOX5-related condition.

Submissions (2):

Ambry Genetics
Classification: Uncertain significance for Inborn genetic diseases. Last evaluated: 2023-01-06. Review status: criteria provided, single submitter. Criteria: Ambry Variant Classification Scheme 2023. Collection method: clinical testing. Allele origin: germline.
Comment: The c.1373A>G (p.K458R) alteration is located in exon 11 (coding exon 11) of the SOX5 gene. This alteration results from an A to G substitution at nucleotide position 1373, causing the lysine (K) at amino acid position 458 to be replaced by an arginine (R). This variant was not reported in population-based cohorts in the Genome Aggregation Database (gnomAD). This amino acid position is highly conserved in available vertebrate species. This alteration is predicted to be tolerated by in silico analysis. Based on insufficient or conflicting evidence, the clinical significance of this alteration remains unclear.

PreventionGenetics, part of Exact Sciences
Classification: Uncertain significance for SOX5-related condition. Last evaluated: 2024-02-26. Review status: no assertion criteria provided. Collection method: clinical testing. Allele origin: germline. Not counted in ClinVar's aggregate classification.
Comment: The SOX5 c.1373A>G variant is predicted to result in the amino acid substitution p.Lys458Arg. To our knowledge, this variant has not been reported in the literature or in a large population database, indicating this variant is rare. At this time, the clinical significance of this variant is uncertain due to the absence of conclusive functional and genetic evidence.